The following is an entry in ClinVar:

ClinVar aggregate classification (germline): Uncertain significance (1 of 4 stars; one submission).

Submission:

GeneDx
Classification: Uncertain significance. Last evaluated: 2024-12-11. Review status: criteria provided, single submitter. Criteria: GeneDx Variant Classification Process June 2021. Collection method: clinical testing. Allele origin: germline.
Comment: Not observed at significant frequency in large population cohorts (gnomAD); Missense variants in this gene are a common cause of disease and they are underrepresented in the general population; In silico analysis supports that this missense variant has a deleterious effect on protein structure/function; Has not been previously published as pathogenic or benign to our knowledge; This variant is associated with the following publications: (PMID: 29493581)

NM_005633.4(SOS1):c.1882C>G (p.Leu628Val)

Gene: SOS1 (SOS Ras/Rac guanine nucleotide exchange factor 1; minus strand). Cytogenetic location: 2p22.1.
Variant type: single nucleotide variant.
Coding change: c.1882C>G on transcript NM_005633.4 (MANE Select); coding-DNA position 1882, C replaced by G.
Protein change: p.Leu628Val; replaces leucine 628 with valine.
Molecular consequence: missense variant.
Genome position (GRCh38, 1-based): chr2:39,014,823, G>C on the plus strand (C>G on the coding strand, the complement: SOS1 is on the minus strand). VCF-style: chr2-39014823-G-C. GRCh37 (hg19) VCF-style: chr2-39241964-G-C.
Other names: c.1861C>G, p.Leu621Val (NM_001382394.1); c.1882C>G, p.Leu628Val (NM_001382395.1); short protein forms L621V, L628V.
Identifiers: ClinVar variation 3384409 (VCV003384409.2).